The following is an entry in ClinVar:

NM_006922.4(SCN3A):c.5050G>A (p.Ala1684Thr)

Gene: SCN3A (sodium voltage-gated channel alpha subunit 3; minus strand). Cytogenetic location: 2q24.3.
Variant type: single nucleotide variant.
Coding change: c.5050G>A on transcript NM_006922.4 (MANE Select); coding-DNA position 5050, G replaced by A.
Protein change: p.Ala1684Thr; replaces alanine 1684 with threonine.
Molecular consequence: missense variant.
Genome position (GRCh38, 1-based): chr2:165,091,103, C>T on the plus strand (G>A on the coding strand, the complement: SCN3A is on the minus strand). VCF-style: chr2-165091103-C-T. GRCh37 (hg19) VCF-style: chr2-165947613-C-T.
Other names: c.4903G>A, p.Ala1635Thr (NM_001081676.2, NM_001081677.2); short protein forms A1635T, A1684T.
Identifiers: ClinVar variation 3373220 (VCV003373220.1).

ClinVar aggregate classification (germline): Uncertain significance (1 of 4 stars; one submission).

Submission:

GeneDx
Classification: Uncertain significance. Last evaluated: 2024-04-29. Review status: criteria provided, single submitter. Criteria: GeneDx Variant Classification Process June 2021. Collection method: clinical testing. Allele origin: germline. Affected: yes.
Comment: Not observed at significant frequency in large population cohorts (gnomAD); In silico analysis indicates that this missense variant does not alter protein structure/function; Has not been previously published as pathogenic or benign to our knowledge